The following is an entry in ClinVar:

NM_000701.8(ATP1A1):c.1467+23G>A

Genes: ATP1A1 (ATPase Na+/K+ transporting subunit alpha 1; plus strand), ATP1A1-AS1 (ATP1A1 antisense RNA 1; minus strand). Cytogenetic location: 1p13.1.
Variant type: single nucleotide variant.
Coding change: c.1467+23G>A on transcript NM_000701.8 (MANE Select); 23 bases into the intron after coding-DNA position 1467, G replaced by A.
Molecular consequence: intron variant. On other transcripts: non-coding transcript variant (1).
Genome position (GRCh38, 1-based): chr1:116,393,011, G>A. VCF-style: chr1-116393011-G-A. GRCh37 (hg19) VCF-style: chr1-116935633-G-A.
Other names: c.1467+23G>A (NM_001160233.2); c.1374+23G>A (NM_001160234.2).
Identifiers: ClinVar variation 3388051 (VCV003388051.14).
Genomic context (GRCh38, chr1:116,393,011, plus strand): 5'-TCGTCGAGATACCCTTCAACTCCACCAACAAGTACCAGGTCTGAAGATCGATGGGTACAC[G>A]GAGGGCGAGGGCAAGCTGGGGGACAAAGAGGGGAGGTACATGAGCAGGAAGAGGAAATAT-3'

ClinVar aggregate classification (germline): Likely benign (1 of 4 stars; one submission).

gnomAD v4.1: 11,558 of 1,612,316 alleles (0.72%); highest among the groups gnomAD compares: Non-Finnish European, 0.82%; 57 homozygotes.

Submission:

CeGaT Center for Human Genetics Tuebingen
Classification: Likely benign. Last evaluated: 2026-08-01. Review status: criteria provided, single submitter. Criteria: CeGaT Center For Human Genetics Tuebingen Variant Classification Criteria Version 2. Collection method: clinical testing. Allele origin: germline. Affected: yes. Observed: 23 variant alleles.
Comment: ATP1A1-AS1: BS2